The following is an entry in ClinVar:

NM_000111.3(SLC26A3):c.455G>A (p.Arg152His)

Gene: SLC26A3 (solute carrier family 26 member 3; minus strand). Cytogenetic location: 7q22.3.
Variant type: single nucleotide variant.
Coding change: c.455G>A on transcript NM_000111.3 (MANE Select); coding-DNA position 455, G replaced by A.
Protein change: p.Arg152His; replaces arginine 152 with histidine.
Molecular consequence: missense variant.
Genome position (GRCh38, 1-based): chr7:107,791,163, C>T on the plus strand (G>A on the coding strand, the complement: SLC26A3 is on the minus strand). VCF-style: chr7-107791163-C-T. GRCh37 (hg19) VCF-style: chr7-107431608-C-T.
Other names: short protein forms R152H.
Identifiers: ClinVar variation 911310 (VCV000911310.15), dbSNP rs763721296, ClinGen allele CA164252377.

ClinVar aggregate classification (germline): Uncertain significance. Review status: criteria provided, multiple submitters, no conflicts (2 of 4 stars). 4 submissions from 4 submitters: Uncertain significance (4). Last evaluated 2024-12-16.

Conditions:
Congenital secretory diarrhea, chloride type (DIAR1). Also called: DIARRHEA 1, SECRETORY CHLORIDE, CONGENITAL; CHLORIDORRHEA, CONGENITAL; CHLORIDE DIARRHEA, CONGENITAL, FINNISH TYPE. Identifiers: Orphanet 53689, MedGen C0267662, MONDO:0008964, OMIM 214700.
Inborn genetic diseases. Identifiers: MedGen C0950123, MeSH D030342.

Allele frequency attached by ClinVar (database versions not stated): gnomAD 0.00003; TOPMed 0.00003.
gnomAD v4.1: 21 of 1,614,046 alleles (0.0013%); highest among the groups gnomAD compares: African/African-American, 0.0067%; no homozygotes.

Submissions (4):

Labcorp Genetics (formerly Invitae), Labcorp
Classification: Uncertain significance. Last evaluated: 2024-12-16. Review status: criteria provided, single submitter. Criteria: Invitae Variant Classification Sherloc (09022015). Collection method: clinical testing. Allele origin: germline.
Comment: This sequence change replaces arginine, which is basic and polar, with histidine, which is basic and polar, at codon 152 of the SLC26A3 protein (p.Arg152His). This variant is not present in population databases (gnomAD no frequency). This variant has not been reported in the literature in individuals affected with SLC26A3-related conditions. ClinVar contains an entry for this variant (Variation ID: 911310). Invitae Evidence Modeling of protein sequence and biophysical properties (such as structural, functional, and spatial information, amino acid conservation, physicochemical variation, residue mobility, and thermodynamic stability) indicates that this missense variant is not expected to disrupt SLC26A3 protein function with a negative predictive value of 80%. In summary, the available evidence is currently insufficient to determine the role of this variant in disease. Therefore, it has been classified as a Variant of Uncertain Significance.

Ambry Genetics
Classification: Uncertain significance for Inborn genetic diseases. Last evaluated: 2024-11-19. Review status: criteria provided, single submitter. Criteria: Ambry Variant Classification Scheme 2023. Collection method: clinical testing. Allele origin: germline.

Fulgent Genetics
Classification: Uncertain significance for Congenital secretory diarrhea, chloride type. Last evaluated: 2021-09-08. Review status: criteria provided, single submitter. Criteria: ACMG Guidelines, 2015. Collection method: clinical testing. Allele origin: unknown.

Illumina Laboratory Services, Illumina
Classification: Uncertain significance for Congenital secretory diarrhea, chloride type. Last evaluated: 2018-01-13. Review status: criteria provided, single submitter. Criteria: ICSL Variant Classification Criteria 13 December 2019. Collection method: clinical testing. Allele origin: germline.